The following is an entry in ClinVar:

NM_001366385.1(CARD14):c.2632G>C (p.Glu878Gln)

Genes: CARD14 (caspase recruitment domain family member 14; plus strand), SGSH (N-sulfoglucosamine sulfohydrolase; minus strand), LOC126862662 (MED14-independent group 3 enhancer GRCh37_chr17:78178385-78179584; plus strand). Cytogenetic location: 17q25.3.
Variant type: single nucleotide variant.
Coding change: c.2632G>C on transcript NM_001366385.1 (MANE Select); coding-DNA position 2632, G replaced by C.
Protein change: p.Glu878Gln; replaces glutamic acid 878 with glutamine.
Molecular consequence: missense variant. On other transcripts: non-coding transcript variant (1).
Genome position (GRCh38, 1-based): chr17:80,205,593, G>C. VCF-style: chr17-80205593-G-C. GRCh37 (hg19) VCF-style: chr17-78179392-G-C.
Other names: c.2632G>C, p.Glu878Gln (NM_024110.4); short protein forms E878Q.
Identifiers: ClinVar variation 3763729 (VCV003763729.2).
Genomic context (GRCh38, chr17:80,205,593, plus strand): 5'-TACTTGAGCCAGGAGGAGTATGAGGCCTGGAGCCAGAGAGGGGACATCATCCAGGAGGGA[G>C]AGGTGTCCGGGGGCCGCTGCTGGGTGACCCGCCATGCTGTGGAGTCCCTCATGGAAAAGG-3'
Protein context (NP_001353314.1, residues 868-888): SQRGDIIQEG[Glu878Gln]VSGGRCWVTR

ClinVar aggregate classification (germline): Uncertain significance (1 of 4 stars; one submission).

Conditions:
Pityriasis rubra pilaris (PRP). Also called: Pityriasis rubra pilaris--familial type. Identifiers: Orphanet 2897, MedGen C0032027, MONDO:0100017, OMIM 173200, MONDO:0008251.
Psoriasis 2. Identifiers: MedGen C1864497, MONDO:0011269, OMIM 602723.

gnomAD v4.1: 5 of 1,572,662 alleles (0.00032%); highest among the groups gnomAD compares: African/African-American, 0.0067%; no homozygotes.

Submission:

Labcorp Genetics (formerly Invitae), Labcorp
Classification: Uncertain significance for Pityriasis rubra pilaris; Psoriasis 2. Last evaluated: 2024-08-31. Review status: criteria provided, single submitter. Criteria: Invitae Variant Classification Sherloc (09022015). Collection method: clinical testing. Allele origin: germline.
Comment: This sequence change replaces glutamic acid, which is acidic and polar, with glutamine, which is neutral and polar, at codon 878 of the CARD14 protein (p.Glu878Gln). This variant is present in population databases (rs151207710, gnomAD 0.01%). This variant has not been reported in the literature in individuals affected with CARD14-related conditions. Invitae Evidence Modeling of protein sequence and biophysical properties (such as structural, functional, and spatial information, amino acid conservation, physicochemical variation, residue mobility, and thermodynamic stability) indicates that this missense variant is not expected to disrupt CARD14 protein function with a negative predictive value of 80%. In summary, the available evidence is currently insufficient to determine the role of this variant in disease. Therefore, it has been classified as a Variant of Uncertain Significance.